The following is an entry in ClinVar:

NM_001082971.2(DDC):c.988C>A (p.Pro330Thr)

Gene: DDC (dopa decarboxylase; minus strand). Cytogenetic location: 7p12.2.
Variant type: single nucleotide variant.
Coding change: c.988C>A on transcript NM_001082971.2 (MANE Select); coding-DNA position 988, C replaced by A.
Protein change: p.Pro330Thr; replaces proline 330 with threonine.
Molecular consequence: missense variant.
Genome position (GRCh38, 1-based): chr7:50,479,820, G>T on the plus strand (C>A on the coding strand, the complement: DDC is on the minus strand). VCF-style: chr7-50479820-G-T. GRCh37 (hg19) VCF-style: chr7-50547518-G-T.
Other names: c.988C>A, p.Pro330Thr (NM_000790.4); c.874C>A, p.Pro292Thr (NM_001242886.2); c.844C>A, p.Pro282Thr (NM_001242887.2); c.754C>A, p.Pro252Thr (NM_001242888.2); c.709C>A, p.Pro237Thr (NM_001242889.2); short protein forms P237T, P252T, P292T, P330T, P282T.
Identifiers: ClinVar variation 1413978 (VCV001413978.6), dbSNP rs1316356550, ClinGen allele CA367535601.

ClinVar aggregate classification (germline): Uncertain significance (1 of 4 stars; one submission).

Conditions:
Deficiency of aromatic-L-amino-acid decarboxylase. Also called: Aromatic L-Amino Acid Decarboxylase Deficiency; DDC DEFICIENCY; DOPA DECARBOXYLASE DEFICIENCY; Aromatic amino acid decarboxylase deficiency; AADC DEFICIENCY. Identifiers: Orphanet 35708, MedGen C1291564, MONDO:0012084, OMIM 608643.

gnomAD v4.1: 1 of 1,613,706 alleles (0.000062%); highest among the groups gnomAD compares: Admixed American, 0.0017%; no homozygotes.

Submission:

Labcorp Genetics (formerly Invitae), Labcorp
Classification: Uncertain significance for Deficiency of aromatic-L-amino-acid decarboxylase. Last evaluated: 2022-06-13. Review status: criteria provided, single submitter. Criteria: Invitae Variant Classification Sherloc (09022015). Collection method: clinical testing. Allele origin: germline.
Comment: This sequence change replaces proline, which is neutral and non-polar, with threonine, which is neutral and polar, at codon 330 of the DDC protein (p.Pro330Thr). In summary, the available evidence is currently insufficient to determine the role of this variant in disease. Therefore, it has been classified as a Variant of Uncertain Significance. Algorithms developed to predict the effect of missense changes on protein structure and function (SIFT, PolyPhen-2, Align-GVGD) all suggest that this variant is likely to be disruptive. This variant has not been reported in the literature in individuals affected with DDC-related conditions. This variant is not present in population databases (gnomAD no frequency).